The following is an entry in ClinVar:

ClinVar aggregate classification (germline): Likely benign. Review status: criteria provided, multiple submitters, no conflicts (2 of 4 stars). 2 submissions from 2 submitters: Likely benign (2). Last evaluated 2026-02-02.

Conditions:
KAT6A-related disorder. Also called: KAT6A-related condition.

Allele frequency attached by ClinVar (database versions not stated): TOPMed below 0.00001; gnomAD exomes 0.00001.
gnomAD v4.1: 22 of 1,613,902 alleles (0.0014%); highest among the groups gnomAD compares: East Asian, 0.0089%; no homozygotes.

Submissions (2):

PreventionGenetics, part of Exact Sciences
Classification: Likely benign for KAT6A-related condition. Last evaluated: 2026-02-02. Review status: criteria provided, single submitter. Criteria: ACMG Guidelines, 2015. Collection method: clinical testing. Allele origin: germline.
Comment: This variant is classified as likely benign based on ACMG/AMP sequence variant interpretation guidelines (Richards et al. 2015 PMID: 25741868, with internal and published modifications).

Labcorp Genetics (formerly Invitae), Labcorp
Classification: Likely benign. Last evaluated: 2025-06-15. Review status: criteria provided, single submitter. Criteria: Invitae Variant Classification Sherloc (09022015). Collection method: clinical testing. Allele origin: germline.

NM_006766.5(KAT6A):c.4010C>T (p.Thr1337Met)

Gene: KAT6A (lysine acetyltransferase 6A; minus strand). Cytogenetic location: 8p11.21.
Variant type: single nucleotide variant.
Coding change: c.4010C>T on transcript NM_006766.5 (MANE Select); coding-DNA position 4010, C replaced by T.
Protein change: p.Thr1337Met; replaces threonine 1337 with methionine.
Molecular consequence: missense variant.
Genome position (GRCh38, 1-based): chr8:41,934,210, G>A on the plus strand (C>T on the coding strand, the complement: KAT6A is on the minus strand). VCF-style: chr8-41934210-G-A. GRCh37 (hg19) VCF-style: chr8-41791728-G-A.
Other names: c.4010C>T (NM_006766.4); short protein forms T1337M.
Identifiers: ClinVar variation 2967746 (VCV002967746.4), dbSNP rs1460666861, ClinGen allele CA371067237.